The following is an entry in ClinVar:

NM_032387.5(WNK4):c.2750C>T (p.Ser917Phe)

Gene: WNK4 (WNK lysine deficient protein kinase 4; plus strand). Cytogenetic location: 17q21.2.
Variant type: single nucleotide variant.
Coding change: c.2750C>T on transcript NM_032387.5 (MANE Select); coding-DNA position 2750, C replaced by T.
Protein change: p.Ser917Phe; replaces serine 917 with phenylalanine.
Molecular consequence: missense variant.
Genome position (GRCh38, 1-based): chr17:42,795,171, C>T. VCF-style: chr17-42795171-C-T. GRCh37 (hg19) VCF-style: chr17-40947189-C-T.
Other names: c.1742C>T, p.Ser581Phe (NM_001321299.2); short protein forms S581F, S917F.
Identifiers: ClinVar variation 3634631 (VCV003634631.2).
Genomic context (GRCh38, chr17:42,795,171, plus strand): 5'-CTCAGGTCACTCTTAGTTCCCCTTTCTTTCCTCCGTGCCCCTCCACTTCTTCCTTCCCCT[C>T]CACCACAGCAGCCCCTCTCCTTTCTCTGGCTAGTGCCTTCTCACTGGCTGTGATGACTGT-3'
Protein context (NP_115763.2, residues 907-927): PPCPSTSSFP[Ser917Phe]TTAAPLLSLA

ClinVar aggregate classification (germline): Uncertain significance (1 of 4 stars; one submission).

Submission:

Labcorp Genetics (formerly Invitae), Labcorp
Classification: Uncertain significance. Last evaluated: 2024-12-06. Review status: criteria provided, single submitter. Criteria: Invitae Variant Classification Sherloc (09022015). Collection method: clinical testing. Allele origin: germline.
Comment: This sequence change replaces serine, which is neutral and polar, with phenylalanine, which is neutral and non-polar, at codon 917 of the WNK4 protein (p.Ser917Phe). This variant is not present in population databases (gnomAD no frequency). This variant has not been reported in the literature in individuals affected with WNK4-related conditions. Invitae Evidence Modeling of protein sequence and biophysical properties (such as structural, functional, and spatial information, amino acid conservation, physicochemical variation, residue mobility, and thermodynamic stability) indicates that this missense variant is not expected to disrupt WNK4 protein function with a negative predictive value of 95%. In summary, the available evidence is currently insufficient to determine the role of this variant in disease. Therefore, it has been classified as a Variant of Uncertain Significance.